The following is an entry in ClinVar:

NM_020778.5(ALPK3):c.684C>T (p.Ser228=)

Gene: ALPK3 (alpha kinase 3; plus strand). Cytogenetic location: 15q25.3.
Variant type: single nucleotide variant.
Coding change: c.684C>T on transcript NM_020778.5 (MANE Select); coding-DNA position 684, C replaced by T.
Protein change: p.Ser228=; no amino-acid change (serine 228 retained).
Molecular consequence: synonymous variant.
Genome position (GRCh38, 1-based): chr15:84,839,963, C>T. VCF-style: chr15-84839963-C-T. GRCh37 (hg19) VCF-style: chr15-85383194-C-T.
Identifiers: ClinVar variation 1605027 (VCV001605027.12), dbSNP rs755435540, ClinGen allele CA7709041.

ClinVar aggregate classification (germline): Likely benign. Review status: criteria provided, multiple submitters, no conflicts (2 of 4 stars). 4 submissions from 4 submitters: Likely benign (4). Last evaluated 2025-11-05.

Conditions:
ALPK3-related disorder. Also called: ALPK3-related condition.
Cardiovascular phenotype. Identifiers: MedGen CN230736.

Allele frequency attached by ClinVar (database versions not stated): gnomAD exomes 0.00001 and 0.00002; ExAC 0.00003; TOPMed 0.00005; gnomAD 0.00007.
gnomAD v4.1: 18 of 1,612,914 alleles (0.0011%); highest among the groups gnomAD compares: African/African-American, 0.021%; no homozygotes.

Submissions (4):

Labcorp Genetics (formerly Invitae), Labcorp
Classification: Likely benign. Last evaluated: 2025-11-05. Review status: criteria provided, single submitter. Criteria: Invitae Variant Classification Sherloc (09022015). Collection method: clinical testing. Allele origin: germline.

Women's Health and Genetics/Laboratory Corporation of America, LabCorp
Classification: Likely benign. Last evaluated: 2025-07-24. Review status: criteria provided, single submitter. Criteria: LabCorp Variant Classification Summary - May 2015. Collection method: clinical testing. Allele origin: germline.

PreventionGenetics, part of Exact Sciences
Classification: Likely benign for ALPK3-related condition. Last evaluated: 2025-03-29. Review status: criteria provided, single submitter. Criteria: ACMG Guidelines, 2015. Collection method: clinical testing. Allele origin: germline.
Comment: This variant is classified as likely benign based on ACMG/AMP sequence variant interpretation guidelines (Richards et al. 2015 PMID: 25741868, with internal and published modifications).

Ambry Genetics
Classification: Likely benign for Cardiovascular phenotype. Last evaluated: 2021-03-13. Review status: criteria provided, single submitter. Criteria: Ambry Variant Classification Scheme 2023. Collection method: clinical testing. Allele origin: germline.